The following is an entry in ClinVar:

NM_001042492.3(NF1):c.5286_5289del (p.Val1762_Gln1763insTer)

Gene: NF1 (neurofibromin 1; plus strand). Cytogenetic location: 17q11.2.
Variant type: Deletion.
Coding change: c.5286_5289del on transcript NM_001042492.3 (MANE Select); coding-DNA positions 5286 to 5289, 4 bases deleted (CCAA; older notation c.5286_5289delCCAA).
Protein change: p.Val1762_Gln1763insTer.
Molecular consequence: frameshift variant. On other transcripts: nonsense (1).
Genome position (GRCh38, 1-based): chr17:31,327,516-31,327,519, CCAA deleted. VCF-style (leftmost placement, unchanged base first): chr17-31327515-TCCAA-T. GRCh37 (hg19) VCF-style: chr17-29654533-TCCAA-T.
Other names: c.5223_5226delCCAA (NM_000267.3); c.5223_5226delCCAA, p.Gln1742Terfs (NM_000267.4).
Identifiers: ClinVar variation 643507 (VCV000643507.5), dbSNP rs1597831854, ClinGen allele CA915949817.
Genomic context (GRCh38, chr17:31,327,515, plus strand): 5'-AGTTTAATTCTTCTCCACTTCACCCCGTCACCACCACTTTCCAGGTTGGTTCTACTGCTG[TCCAA>T]GTAACTTCAGCAGAGCGAACAAAAGTCCTAGGGCAATCAGTCTTTCTAAATGACATTTAT-3'

ClinVar aggregate classification (germline): Pathogenic (1 of 4 stars; one submission).

Conditions:
Neurofibromatosis, type 1 (NF1). Also called: NEUROFIBROMATOSIS, TYPE I, SOMATIC; VON RECKLINGHAUSEN DISEASE; Neurofibromatosis, type I; Peripheral type neurofibromatosis. Identifiers: Orphanet 636, MedGen C0027831, MONDO:0018975, OMIM 162200. Disease mechanism: loss of function.

Submission:

Labcorp Genetics (formerly Invitae), Labcorp
Classification: Pathogenic for Neurofibromatosis, type 1. Last evaluated: 2018-09-21. Review status: criteria provided, single submitter. Criteria: Invitae Variant Classification Sherloc (09022015). Collection method: clinical testing. Allele origin: germline.
Comment: For these reasons, this variant has been classified as Pathogenic. Loss-of-function variants in NF1 are known to be pathogenic (PMID: 10712197, 23913538). This variant has not been reported in the literature in individuals with NF1-related disease. This variant is not present in population databases (ExAC no frequency). This sequence change creates a premature translational stop signal (p.Gln1742*) in the NF1 gene. It is expected to result in an absent or disrupted protein product.

Literature cited by the submitters: PubMed 10712197; PubMed 23913538.